The following is an entry in ClinVar:

NM_001282116.2(RFX3):c.1008T>A (p.Val336=)

Gene: RFX3 (regulatory factor X3; minus strand). Cytogenetic location: 9p24.2.
Variant type: single nucleotide variant.
Coding change: c.1008T>A on transcript NM_001282116.2 (MANE Select); coding-DNA position 1008, T replaced by A.
Protein change: p.Val336=; no amino-acid change (valine 336 retained).
Molecular consequence: synonymous variant.
Genome position (GRCh38, 1-based): chr9:3,275,578, A>T on the plus strand (T>A on the coding strand, the complement: RFX3 is on the minus strand). VCF-style: chr9-3275578-A-T. GRCh37 (hg19) VCF-style: chr9-3275578-A-T.
Other names: c.1008T>A, p.Val336= (NM_001282117.2, NM_001377999.1, NM_002919.4 and 1 more transcripts).
Identifiers: ClinVar variation 3050275 (VCV003050275.2), dbSNP rs2304930, ClinGen allele CA4967252.

ClinVar aggregate classification (germline): Benign (0 of 4 stars; one submission).

Conditions:
RFX3-related disorder. Also called: RFX3-related condition.

Allele frequency attached by ClinVar (database versions not stated): gnomAD exomes 0.00077; gnomAD 0.00096; TOPMed 0.00133; ExAC 0.00229; 1000 Genomes Project 30x 0.00468; 1000 Genomes Project 0.00539.
gnomAD v4.1: 1,263 of 1,612,054 alleles (0.078%); highest among the groups gnomAD compares: East Asian, 2.7%; 12 homozygotes.

Submission:

PreventionGenetics, part of Exact Sciences
Classification: Benign for RFX3-related condition. Last evaluated: 2019-08-30. Review status: no assertion criteria provided. Collection method: clinical testing. Allele origin: germline.
Comment: This variant is classified as benign based on ACMG/AMP sequence variant interpretation guidelines (Richards et al. 2015 PMID: 25741868, with internal and published modifications).